The following is an entry in ClinVar:

NM_000540.3(RYR1):c.13491A>G (p.Pro4497=)

Gene: RYR1 (ryanodine receptor 1; plus strand). Cytogenetic location: 19q13.2.
Variant type: single nucleotide variant.
Coding change: c.13491A>G on transcript NM_000540.3 (MANE Select); coding-DNA position 13491, A replaced by G.
Protein change: p.Pro4497=; no amino-acid change (proline 4497 retained).
Molecular consequence: synonymous variant.
Genome position (GRCh38, 1-based): chr19:38,566,964, A>G. VCF-style: chr19-38566964-A-G. GRCh37 (hg19) VCF-style: chr19-39057604-A-G.
Other names: c.13476A>G, p.Pro4492= (NM_001042723.2).
Identifiers: ClinVar variation 2182555 (VCV002182555.7), dbSNP rs1973470157, ClinGen allele CA507244213.

ClinVar aggregate classification (germline): Likely benign. Review status: criteria provided, multiple submitters, no conflicts (2 of 4 stars). 3 submissions from 3 submitters: Likely benign (2). 1 of the submissions does not count toward it. Last evaluated 2024-12-16.

Conditions:
RYR1-related disorder. Also called: RYR1-related condition; RYR1-related disorders. Identifiers: MedGen CN239331.
Malignant hyperthermia, susceptibility to, 1 (MHS1). Also called: Anesthesia related hyperthermia; Malignant hyperpyrexia; Fulminating hyperpyrexia; Pharmacogenic myopathy; RYR1-Related Malignant Hyperthermia Susceptibility; Malignant hyperthermia suceptibility 1. Identifiers: Orphanet 423, MedGen C2930980, MONDO:0007783, OMIM 145600.

Allele frequency attached by ClinVar (database versions not stated): gnomAD exomes below 0.00001; gnomAD 0.00001; TOPMed 0.00001.
gnomAD v4.1: 2 of 1,603,468 alleles (0.00012%); highest among the groups gnomAD compares: Admixed American, 0.0034%; no homozygotes.

Submissions (3):

Labcorp Genetics (formerly Invitae), Labcorp
Classification: Likely benign for RYR1-related disorder. Last evaluated: 2024-12-16. Review status: criteria provided, single submitter. Criteria: Invitae Variant Classification Sherloc (09022015). Collection method: clinical testing. Allele origin: germline.

All of Us Research Program, National Institutes of Health
Classification: Likely benign for Malignant hyperthermia, susceptibility to, 1. Last evaluated: 2023-11-30. Review status: criteria provided, single submitter. Criteria: ACMG Guidelines, 2015. Collection method: clinical testing. Allele origin: germline. Inheritance: Autosomal dominant inheritance. Observed: 2 variant alleles, 2 heterozygotes.
Comment: This study involves interpretation of variants in research participants for the purpose of population health screening. Participant phenotype was not available at the time of variant classification. Additional details can be found in publication PMID: 35346344, PMCID: PMC8962531

PreventionGenetics, part of Exact Sciences
Classification: Likely benign for RYR1-related condition. Last evaluated: 2022-10-21. Review status: no assertion criteria provided. Collection method: clinical testing. Allele origin: germline. Not counted in ClinVar's aggregate classification.
Comment: This variant is classified as likely benign based on ACMG/AMP sequence variant interpretation guidelines (Richards et al. 2015 PMID: 25741868, with internal and published modifications).